The following is an entry in ClinVar:

NM_000264.5(PTCH1):c.250_251del (p.Gln84fs)

Gene: PTCH1 (patched 1; minus strand). Cytogenetic location: 9q22.32.
Variant type: Deletion.
Coding change: c.250_251del on transcript NM_000264.5 (MANE Select); coding-DNA positions 250 to 251, 2 bases deleted (CA; older notation c.250_251delCA).
Protein change: p.Gln84fs; shifts the reading frame from glutamine 84.
Molecular consequence: frameshift variant. On other transcripts: non-coding transcript variant (1), 5 prime UTR variant (4).
Genome position (GRCh38, 1-based): chr9:95,506,550-95,506,551, TG deleted on the plus strand (CA on the coding strand, the reverse complement: PTCH1 is on the minus strand). VCF-style (leftmost placement, unchanged base first): chr9-95506549-CTG-C. GRCh37 (hg19) VCF-style: chr9-98268831-CTG-C.
Other names: c.52_53del, p.Gln18fs (NM_001354919.2, NM_001083602.3); c.-204_-203del (NM_001083606.3, NM_001083607.3, NM_001083604.3 and 1 more transcripts); c.250_251del, p.Gln84fs (NM_001354918.2); c.247_248del, p.Gln83fs (NM_001083603.3); short protein forms Q83fs, Q18fs, Q84fs.
Identifiers: ClinVar variation 857987 (VCV000857987.8), dbSNP rs1843663751, ClinGen allele CA916081540.
Genomic context (GRCh38, chr9:95,506,549, plus strand): 5'-CACAACCAAGAACTTGCCGCAGTTTTTTTGAATGTAACAACCCAGTTTAAATAAGAGTCT[CTG>C]AAACTTCGCTCTCAGCCACAGCGGCGCTTTCCGGCCAGTAGCCTTCCCCTGGGGACGAAG-3'

ClinVar aggregate classification (germline): Pathogenic (1 of 4 stars; one submission).

Conditions:
Gorlin syndrome. Also called: Nevoid Basal Cell Carcinoma Syndrome; Basal cell nevus syndrome. Identifiers: Orphanet 377, MedGen C0004779, MONDO:0007187.

Submission:

Labcorp Genetics (formerly Invitae), Labcorp
Classification: Pathogenic for Gorlin syndrome. Last evaluated: 2019-02-13. Review status: criteria provided, single submitter. Criteria: Invitae Variant Classification Sherloc (09022015). Collection method: clinical testing. Allele origin: germline.
Comment: For these reasons, this variant has been classified as Pathogenic. Loss-of-function variants in PTCH1 are known to be pathogenic (PMID: 16301862, 16419085). This variant has not been reported in the literature in individuals with PTCH1-related conditions. This variant is not present in population databases (ExAC no frequency). This sequence change creates a premature translational stop signal (p.Gln84Glufs*5) in the PTCH1 gene. It is expected to result in an absent or disrupted protein product.

Literature cited by the submitters: PubMed 16301862; PubMed 16419085.